The following is an entry in ClinVar:

NM_000558.5(HBA1):c.73T>A (p.Tyr25Asn)

Genes: HBA1 (hemoglobin subunit alpha 1; plus strand), LOC106804613 (hemoglobin subunit alpha 1 recombination region; plus strand). Cytogenetic location: 16p13.3.
Variant type: single nucleotide variant.
Coding change: c.73T>A on transcript NM_000558.5 (MANE Select); coding-DNA position 73, T replaced by A.
Protein change: p.Tyr25Asn; replaces tyrosine 25 with asparagine.
Molecular consequence: missense variant.
Genome position (GRCh38, 1-based): chr16:176,789, T>A. VCF-style: chr16-176789-T-A. GRCh37 (hg19) VCF-style: chr16-226788-T-A.
Other names: short protein forms Y25N.
Identifiers: ClinVar variation 3572194 (VCV003572194.2).

ClinVar aggregate classification (germline): Uncertain significance (1 of 4 stars; one submission).

Submission:

Quest Diagnostics Nichols Institute San Juan Capistrano
Classification: Uncertain significance. Last evaluated: 2024-12-03. Review status: criteria provided, single submitter. Criteria: Quest Diagnostics criteria. Collection method: clinical testing. Allele origin: unknown.
Comment: The HBA1 c.73T>A (p.Tyr25Asn) variant has not been reported in individuals with HBA1-related conditions in the published literature. It also has not been reported in large, multi-ethnic general populations (Genome Aggregation Database). Analysis of this variant using bioinformatics tools for the prediction of the effect of amino acid changes on protein structure and function yielded predictions that this variant is damaging. Based on the available information, we are unable to determine the clinical significance of this variant.